The following is an entry in ClinVar:

ClinVar aggregate classification (germline): Likely benign (1 of 4 stars; one submission).

Allele frequency attached by ClinVar (database versions not stated): 1000 Genomes Project 30x 0.00016; 1000 Genomes Project 0.00020; ESP Exome Variant Server 0.00069; ExAC 0.00079.
gnomAD v4.1: 1,043 of 1,614,184 alleles (0.065%); highest among the groups gnomAD compares: Non-Finnish European, 0.08%; 5 homozygotes.

Submission:

CeGaT Center for Human Genetics Tuebingen
Classification: Likely benign. Last evaluated: 2022-10-01. Review status: criteria provided, single submitter. Criteria: CeGaT Center For Human Genetics Tuebingen Variant Classification Criteria Version 2. Collection method: clinical testing. Allele origin: germline. Affected: yes. Observed: 1 variant allele.
Comment: MAN2B2: BP4, BP7

NM_015274.3(MAN2B2):c.2361G>A (p.Gly787=)

Gene: MAN2B2 (mannosidase alpha class 2B member 2; plus strand). Cytogenetic location: 4p16.1.
Variant type: single nucleotide variant.
Coding change: c.2361G>A on transcript NM_015274.3 (MANE Select); coding-DNA position 2361, G replaced by A.
Protein change: p.Gly787=; no amino-acid change (glycine 787 retained).
Molecular consequence: synonymous variant.
Genome position (GRCh38, 1-based): chr4:6,610,981, G>A. VCF-style: chr4-6610981-G-A. GRCh37 (hg19) VCF-style: chr4-6612708-G-A.
Other names: c.2208G>A, p.Gly736= (NM_001292038.2).
Identifiers: ClinVar variation 2654628 (VCV002654628.24), dbSNP rs139933555, ClinGen allele CA2841273.